The following is an entry in ClinVar:

ClinVar aggregate classification (germline): Uncertain significance (1 of 4 stars; one submission).

Allele frequency attached by ClinVar (database versions not stated): gnomAD exomes 0.00001; TOPMed 0.00001.
gnomAD v4.1: 18 of 1,609,354 alleles (0.0011%); highest among the groups gnomAD compares: Non-Finnish European, 0.0014%; no homozygotes.

Submission:

Labcorp Genetics (formerly Invitae), Labcorp
Classification: Uncertain significance. Last evaluated: 2023-07-07. Review status: criteria provided, single submitter. Criteria: Invitae Variant Classification Sherloc (09022015). Collection method: clinical testing. Allele origin: germline.
Comment: This sequence change replaces valine, which is neutral and non-polar, with methionine, which is neutral and non-polar, at codon 541 of the ERBB2 protein (p.Val541Met). This variant is not present in population databases (gnomAD no frequency). This variant has not been reported in the literature in individuals affected with ERBB2-related conditions. ClinVar contains an entry for this variant (Variation ID: 2169716). Advanced modeling of protein sequence and biophysical properties (such as structural, functional, and spatial information, amino acid conservation, physicochemical variation, residue mobility, and thermodynamic stability) performed at Invitae indicates that this missense variant is not expected to disrupt ERBB2 protein function. In summary, the available evidence is currently insufficient to determine the role of this variant in disease. Therefore, it has been classified as a Variant of Uncertain Significance.

NM_004448.4(ERBB2):c.1621G>A (p.Val541Met)

Gene: ERBB2 (erb-b2 receptor tyrosine kinase 2; plus strand). Cytogenetic location: 17q12.
Variant type: single nucleotide variant.
Coding change: c.1621G>A on transcript NM_004448.4 (MANE Select); coding-DNA position 1621, G replaced by A.
Protein change: p.Val541Met; replaces valine 541 with methionine.
Molecular consequence: missense variant. On other transcripts: non-coding transcript variant (1), intron variant (1).
Genome position (GRCh38, 1-based): chr17:39,716,408, G>A. VCF-style: chr17-39716408-G-A. GRCh37 (hg19) VCF-style: chr17-37872661-G-A.
Other names: c.1531G>A, p.Val511Met (NM_001005862.3, NM_001289938.2, NM_001382782.1 and 1 more transcripts); c.1576G>A, p.Val526Met (NM_001289936.2); c.1621G>A, p.Val541Met (NM_001289937.2, NM_001382785.1, NM_001382790.1 and 11 more transcripts); c.1738G>A, p.Val580Met (NM_001382784.1, NM_001382786.1); c.1696G>A, p.Val566Met (NM_001382787.1); c.1651G>A, p.Val551Met (NM_001382788.1); c.1642G>A, p.Val548Met (NM_001382789.1); c.1612G>A, p.Val538Met (NM_001382791.1); and 4 more; short protein forms V481M, V538M, V566M, V265M, V511M, V580M, V541M, V548M.
Identifiers: ClinVar variation 2169716 (VCV002169716.4), dbSNP rs1415101808, ClinGen allele CA399292992.
Genomic context (GRCh38, chr17:39,716,408, plus strand): 5'-TGGGGTCCAGGGCCCACCCAGTGTGTCAACTGCAGCCAGTTCCTTCGGGGCCAGGAGTGC[G>A]TGGAGGAATGCCGAGTACTGCAGGGGTATGAGGGGCGGAGGAGAGGGTGGCTGGAGGGGT-3'
Protein context (NP_004439.2, residues 531-551): CSQFLRGQEC[Val541Met]EECRVLQGLP